The following is an entry in ClinVar:

NM_001199107.2(TBC1D24):c.1558G>C (p.Gly520Arg)

Gene: TBC1D24 (TBC1 domain family member 24; plus strand). Cytogenetic location: 16p13.3.
Variant type: single nucleotide variant.
Coding change: c.1558G>C on transcript NM_001199107.2 (MANE Select); coding-DNA position 1558, G replaced by C.
Protein change: p.Gly520Arg; replaces glycine 520 with arginine.
Molecular consequence: missense variant.
Genome position (GRCh38, 1-based): chr16:2,500,836, G>C. VCF-style: chr16-2500836-G-C. GRCh37 (hg19) VCF-style: chr16-2550837-G-C.
Other names: c.1540G>C, p.Gly514Arg (NM_020705.3); short protein forms G520R, G514R.
Identifiers: ClinVar variation 506272 (VCV000506272.5), dbSNP rs1555501693, ClinGen allele CA394381563.
Genomic context (GRCh38, chr16:2,500,836, plus strand): 5'-GGCCGCCACTGACCTGAGCATCCTGCAGGGGGAGGAGGCGGCCAGGCGCTCTACATCGAT[G>C]GGGACCTGAACCGGGGCCGCACAAGCCACTGCGACACCTTCAACAACCAGCCCCTCTGCT-3'
Protein context (NP_001186036.1, residues 510-530): GGGGQALYID[Gly520Arg]DLNRGRTSHC

ClinVar aggregate classification (germline): Uncertain significance (1 of 4 stars; one submission).

Submission:

Laboratory for Molecular Medicine, Mass General Brigham Personalized Medicine
Classification: Uncertain significance. Last evaluated: 2018-01-30. Review status: criteria provided, single submitter. Criteria: LMM Criteria. Collection method: clinical testing. Allele origin: germline. Observed: 1 variant allele.
Comment: The p.Gly520Arg variant in TBC1D24 has not been previously reported in individua ls with hearing loss, epilepsy, or DOOR syndrome, and was absent from large popu lation studies. Computational prediction tools and conservation analyses suggest that this variant may not impact the protein, though this information is not pr edictive enough to rule out pathogenicity. In summary, the clinical significance of the p.Gly520Arg variant is uncertain. ACMG/AMP Criteria applied: PM2; BP4.